The following is an entry in ClinVar:

NM_003238.6(TGFB2):c.893G>A (p.Arg298Gln)

Gene: TGFB2 (transforming growth factor beta 2; plus strand). Cytogenetic location: 1q41.
Variant type: single nucleotide variant.
Coding change: c.893G>A on transcript NM_003238.6 (MANE Select); coding-DNA position 893, G replaced by A.
Protein change: p.Arg298Gln; replaces arginine 298 with glutamine.
Molecular consequence: missense variant. On other transcripts: non-coding transcript variant (2).
Genome position (GRCh38, 1-based): chr1:218,436,108, G>A. VCF-style: chr1-218436108-G-A. GRCh37 (hg19) VCF-style: chr1-218609450-G-A.
Other names: p.R298Q:CGG>CAG; c.977G>A, p.Arg326Gln (NM_001135599.4); short protein forms R298Q, R326Q.
Identifiers: ClinVar variation 213844 (VCV000213844.15), dbSNP rs762561484, ClinGen allele CA323488.

ClinVar aggregate classification (germline): Uncertain significance. Review status: criteria provided, multiple submitters, no conflicts (2 of 4 stars). 2 submissions from 2 submitters: Uncertain significance (2). Last evaluated 2026-06-04.

Conditions:
Loeys-Dietz syndrome 4 (LDS4). Also called: ANEURYSM, AORTIC AND CEREBRAL, WITH ARTERIAL TORTUOSITY AND SKELETAL MANIFESTATIONS; TGFB2-Related Loeys-Dietz Syndrome. Identifiers: MedGen C3553762, MONDO:0013897, OMIM 614816.

Allele frequency attached by ClinVar (database versions not stated): TOPMed 0.00001; gnomAD exomes 0.00002 and 0.00001; gnomAD 0.00001; ExAC 0.00002.
gnomAD v4.1: 16 of 1,613,646 alleles (0.00099%); highest among the groups gnomAD compares: East Asian, 0.025%; no homozygotes.

Submissions (2):

GeneDx
Classification: Uncertain significance. Last evaluated: 2026-06-04. Review status: criteria provided, single submitter. Criteria: GeneDx Variant Classification Process June 2021. Collection method: clinical testing. Allele origin: germline.
Comment: Identified in a patient with aortic disease in published literature (PMID: 31915033); Not observed at significant frequency in large population cohorts (gnomAD); In silico analysis suggests that this missense variant does not alter protein structure/function; This variant is associated with the following publications: (PMID: 31915033)

Labcorp Genetics (formerly Invitae), Labcorp
Classification: Uncertain significance for Loeys-Dietz syndrome 4. Last evaluated: 2023-03-24. Review status: criteria provided, single submitter. Criteria: Invitae Variant Classification Sherloc (09022015). Collection method: clinical testing. Allele origin: germline.
Comment: In summary, the available evidence is currently insufficient to determine the role of this variant in disease. Therefore, it has been classified as a Variant of Uncertain Significance. Advanced modeling of protein sequence and biophysical properties (such as structural, functional, and spatial information, amino acid conservation, physicochemical variation, residue mobility, and thermodynamic stability) performed at Invitae indicates that this missense variant is not expected to disrupt TGFB2 protein function. ClinVar contains an entry for this variant (Variation ID: 213844). This missense change has been observed in individual(s) with clinical features of TGFB2-related conditions (PMID: 31915033). This variant is present in population databases (rs762561484, gnomAD 0.02%). This sequence change replaces arginine, which is basic and polar, with glutamine, which is neutral and polar, at codon 298 of the TGFB2 protein (p.Arg298Gln).

Literature cited by the submitters: PubMed 31915033 (cited by Labcorp Genetics (formerly Invitae), Labcorp).